The following is an entry in ClinVar:

ClinVar aggregate classification (germline): Likely pathogenic. Review status: criteria provided, multiple submitters, no conflicts (2 of 4 stars). 7 submissions from 7 submitters: Likely pathogenic (5). 2 of the submissions do not count toward it. Last evaluated 2024-10-14.

Conditions:
MYH7-related disorder. Also called: MYH7-related condition; MYH7-related disease; MYH7-related disorders.
Hypertrophic cardiomyopathy 1 (CMH1). Also called: Familial hypertrophic cardiomyopathy 1; MYH7-Related Familial Hypertrophic Cardiomyopathy. Identifiers: MedGen C3495498, MONDO:0008647, OMIM 192600.
Hypertrophic cardiomyopathy. Also called: HYPERTROPHIC MYOCARDIOPATHY. Identifiers: Orphanet 217569, MedGen C0007194, MeSH D002312, MONDO:0005045, HP:0001639.

Submissions (7):

Blueprint Genetics
Classification: Likely pathogenic for MYH7-related disorders. Last evaluated: 2024-10-14. Review status: criteria provided, single submitter. Criteria: ACMG Guidelines, 2015. Collection method: clinical testing. Allele origin: germline. Affected: yes. Observed: 1 variant allele.

GeneDx
Classification: Likely pathogenic. Last evaluated: 2024-06-27. Review status: criteria provided, single submitter. Criteria: GeneDx Variant Classification Process June 2021. Collection method: clinical testing. Allele origin: germline. Affected: yes.
Comment: Not observed at significant frequency in large population cohorts (gnomAD); In silico analysis supports that this missense variant has a deleterious effect on protein structure/function; This variant is associated with the following publications: (PMID: 24093860, 25422285, 27532257, 29300372)

Mayo Clinic Laboratories, Mayo Clinic
Classification: Likely pathogenic. Last evaluated: 2024-02-09. Review status: criteria provided, single submitter. Criteria: ACMG Guidelines, 2015. Collection method: clinical testing. Allele origin: germline. Observed: 1 variant allele.
Comment: PP1, PP3, PM1, PM2, PS4_supporting

Labcorp Genetics (formerly Invitae), Labcorp
Classification: Likely pathogenic for Hypertrophic cardiomyopathy. Last evaluated: 2023-11-13. Review status: criteria provided, single submitter. Criteria: Invitae Variant Classification Sherloc (09022015). Collection method: clinical testing. Allele origin: germline.
Comment: This sequence change replaces phenylalanine, which is neutral and non-polar, with serine, which is neutral and polar, at codon 252 of the MYH7 protein (p.Phe252Ser). This variant is not present in population databases (gnomAD no frequency). This missense change has been observed in individuals with hypertrophic cardiomyopathy and/or restrictive cardiomyopathy (PMID: 25422285; Invitae). ClinVar contains an entry for this variant (Variation ID: 179894). Advanced modeling of protein sequence and biophysical properties (such as structural, functional, and spatial information, amino acid conservation, physicochemical variation, residue mobility, and thermodynamic stability) performed at Invitae indicates that this missense variant is expected to disrupt MYH7 protein function with a positive predictive value of 95%. In summary, the currently available evidence indicates that the variant is pathogenic, but additional data are needed to prove that conclusively. Therefore, this variant has been classified as Likely Pathogenic.

3billion
Classification: Likely pathogenic for Hypertrophic cardiomyopathy 1. Review status: criteria provided, single submitter. Criteria: ACMG Guidelines, 2015. Collection method: clinical testing. Allele origin: unknown. Affected: yes. Observed: 1 heterozygote.
Comment: The variant is not observed in the gnomAD v2.1.1 dataset. The variant is located in a mutational hot spot and/or well-established functional domain in which established pathogenic variants have been reported (PMID: 29300372). In silico tool predictions suggest damaging effect of the variant on gene or gene product (REVEL: 0.95; 3Cnet: 1.00). Same nucleotide change resulting in same amino acid change has been previously reported to be associated with MYH7 related disorder (PMID: 24093860). Different missense changes at the same codon (p.Phe252Cys, p.Phe252Leu) have been reported to be associated with MYH7 related disorder (ClinVar ID: VCV000217472 / PMID: 18506004, 27247418). Therefore, this variant is classified as Likely pathogenic according to the recommendation of ACMG/AMP guideline.

Biotechnology Department, Cairo University
Classification: Pathogenic for Hypertrophic cardiomyopathy 1. Review status: no assertion criteria provided. Collection method: research. Allele origin: germline. Affected: yes. Not counted in ClinVar's aggregate classification.
Comment: The missense variant is rarely found in large population cohorts (gnomAD) and silico analysis indicates it negatively impacts protein structure/function.

Laboratory for Molecular Medicine, Mass General Brigham Personalized Medicine
Classification: Uncertain significance. Last evaluated: 2014-07-17. Review status: flagged submission. Criteria: LMM Criteria. Collection method: clinical testing. Allele origin: germline. Observed: 2 variant alleles. Not counted in ClinVar's aggregate classification.
Comment: Variant classified as Uncertain Significance - Favor Pathogenic. The Phe252Ser v ariant in MYH7 has not been previously reported in individuals with cardiomyopat hy or in large population studies. Phenylalanine (Phe) at position 252 is conser ved in mammals (with the exception of turkey) and across evolutionarily distant species and the change to Serine (Ser) was predicted to be pathogenic using a co mputational tool clinically validated by our laboratory. This tool's pathogenic prediction is estimated to be correct 94% of the time (Jordan 2011). In summary, while there is some suspicion for a pathogenic role, the clinical significance of the Phe252Ser variant is uncertain.
ClinVar note: Reason: Older claim that does not account for recent evidence

Literature cited by the submitters: PubMed 18506004 (cited by Mayo Clinic Laboratories, Mayo Clinic and 3billion); PubMed 21551322 (cited by Mayo Clinic Laboratories, Mayo Clinic); PubMed 24093860 (cited by Mayo Clinic Laboratories, Mayo Clinic and 3billion); PubMed 25422285 (cited by Mayo Clinic Laboratories, Mayo Clinic and Labcorp Genetics (formerly Invitae), Labcorp); PubMed 27247418 (cited by Mayo Clinic Laboratories, Mayo Clinic and 3billion); PubMed 34540771 (cited by Mayo Clinic Laboratories, Mayo Clinic); PubMed 29300372 (cited by 3billion).

NM_000257.4(MYH7):c.755T>C (p.Phe252Ser)

Gene: MYH7 (myosin heavy chain 7; minus strand). Cytogenetic location: 14q11.2.
Variant type: single nucleotide variant.
Coding change: c.755T>C on transcript NM_000257.4 (MANE Select); coding-DNA position 755, T replaced by C.
Protein change: p.Phe252Ser; replaces phenylalanine 252 with serine.
Molecular consequence: missense variant.
Genome position (GRCh38, 1-based): chr14:23,431,459, A>G on the plus strand (T>C on the coding strand, the complement: MYH7 is on the minus strand). VCF-style: chr14-23431459-A-G. GRCh37 (hg19) VCF-style: chr14-23900668-A-G.
Other names: short protein forms F252S.
Identifiers: ClinVar variation 179894 (VCV000179894.16), dbSNP rs727505202, ClinGen allele CA016801.